The following is an entry in ClinVar:

ClinVar aggregate classification (germline): Likely pathogenic. Review status: criteria provided, multiple submitters, no conflicts (2 of 4 stars). 2 submissions from 2 submitters: Likely pathogenic (2). Last evaluated 2022-05-05.

Conditions:
Succinate-semialdehyde dehydrogenase deficiency (SSADHD). Also called: 4-HYDROXYBUTYRIC ACIDURIA; GABA METABOLIC DEFECT; Succinic Semialdehyde Dehydrogenase Deficiency; SSADH DEFICIENCY. Identifiers: Orphanet 22, MedGen C0268631, MONDO:0010083, OMIM 271980.

Allele frequency attached by ClinVar (database versions not stated): gnomAD exomes below 0.00001; gnomAD 0.00001.
gnomAD v4.1: 3 of 1,613,330 alleles (0.00019%); highest among the groups gnomAD compares: Non-Finnish European, 0.00025%; no homozygotes.

Submissions (2):

GeneDx
Classification: Likely pathogenic. Last evaluated: 2022-05-05. Review status: criteria provided, single submitter. Criteria: GeneDx Variant Classification Process June 2021. Collection method: clinical testing. Allele origin: germline. Affected: yes.
Comment: Published functional studies demonstrate a damaging effect (variant has deleterious effect on ALDH5A1 encoded SSAHD enzyme activity) (Pop et al., 2020); In silico analysis supports that this missense variant has a deleterious effect on protein structure/function; Not observed at significant frequency in large population cohorts (gnomAD); Observed in a patient with biochemically-diagnosed SSADH deficiency; however, a second variant was not described (Pop et al., 2020); This variant is associated with the following publications: (PMID: 33203024, 32402538)

Elsea Laboratory, Baylor College of Medicine
Classification: Likely pathogenic for Succinate-semialdehyde dehydrogenase deficiency. Last evaluated: 2021-03-08. Review status: criteria provided, single submitter. Criteria: Martin et al. (J Child Neurol. 2021). Collection method: curation. Allele origin: germline. Affected: yes.
Comment: deficiency enzyme activity; oligomerization domain

Literature cited by the submitters: PubMed 33203024 (cited by Elsea Laboratory, Baylor College of Medicine); PubMed 32402538 (cited by Elsea Laboratory, Baylor College of Medicine).

NM_001080.3(ALDH5A1):c.581C>T (p.Pro194Leu)

Gene: ALDH5A1 (aldehyde dehydrogenase 5 family member A1; plus strand). Cytogenetic location: 6p22.3.
Variant type: single nucleotide variant.
Coding change: c.581C>T on transcript NM_001080.3 (MANE Select); coding-DNA position 581, C replaced by T.
Protein change: p.Pro194Leu; replaces proline 194 with leucine.
Molecular consequence: missense variant.
Genome position (GRCh38, 1-based): chr6:24,503,405, C>T. VCF-style: chr6-24503405-C-T. GRCh37 (hg19) VCF-style: chr6-24503633-C-T.
Other names: c.581C>T, p.Pro194Leu (NM_001368954.1, NM_170740.1); short protein forms P194L.
Identifiers: ClinVar variation 1683947 (VCV001683947.5), dbSNP rs1759249344, ClinGen allele CA362969685.